The following is an entry in ClinVar:

NM_000059.4(BRCA2):c.2273del (p.Ser758fs)

Gene: BRCA2 (BRCA2 DNA repair associated; plus strand). Cytogenetic location: 13q13.1.
Variant type: Deletion.
Coding change: c.2273del on transcript NM_000059.4 (MANE Select); coding-DNA position 2273, one base deleted (G; older notation c.2273delG).
Protein change: p.Ser758fs; shifts the reading frame from serine 758.
Molecular consequence: frameshift variant.
Genome position (GRCh38, 1-based): chr13:32,336,628, G deleted. VCF-style (leftmost placement, unchanged base first): chr13-32336627-AG-A. GRCh37 (hg19) VCF-style: chr13-32910764-AG-A.
Other names: c.2273delG (NM_000059.3); short protein forms S758fs.
Identifiers: ClinVar variation 422682 (VCV000422682.3), dbSNP rs1064795934, ClinGen allele CA16619668.
Genomic context (GRCh38, chr13:32,336,627, plus strand): 5'-TGTCACCCAGTACAACATTCAAAAGTGGAATACAGTGATACTGACTTTCAATCCCAGAAA[AG>A]TCTTTTATATGATCATGAAAATGCCAGCACTCTTATTTTAACTCCTACTTCCAAGGATGT-3'

ClinVar aggregate classification (germline): Pathogenic. Review status: reviewed by expert panel (3 of 4 stars). 3 submissions from 3 submitters: Pathogenic (1). 2 of the submissions do not count toward it. Last evaluated 2017-12-15.

Conditions:
Hereditary cancer-predisposing syndrome. Also called: Hereditary neoplastic syndrome; Hereditary Cancer Syndrome; Neoplastic Syndromes, Hereditary; Tumor predisposition. Identifiers: Orphanet 140162, MedGen C0027672, MeSH D009386, MONDO:0015356.
Breast-ovarian cancer, familial, susceptibility to, 2 (BROVCA2). Also called: BRCA2 Hereditary Breast and Ovarian Cancer. Identifiers: Orphanet 145, MedGen C2675520, MONDO:0012933, OMIM 612555. Disease mechanism: loss of function.

Submissions (3):

Evidence-based Network for the Interpretation of Germline Mutant Alleles (ENIGMA)
Classification: Pathogenic for Breast-ovarian cancer, familial, susceptibility to, 2. Last evaluated: 2017-12-15. Review status: reviewed by expert panel. Criteria: ENIGMA BRCA1/2 Classification Criteria (2017-06-29). Collection method: curation. Allele origin: germline. Study: ENIGMA.
Comment: Variant allele predicted to encode a truncated non-functional protein.

Ambry Genetics
Classification: Pathogenic for Hereditary cancer-predisposing syndrome. Last evaluated: 2022-11-10. Review status: criteria provided, single submitter. Criteria: Ambry Variant Classification Scheme 2023. Collection method: clinical testing. Allele origin: germline. Not counted in ClinVar's aggregate classification.
Comment: The c.2273delG pathogenic mutation, located in coding exon 10 of the BRCA2 gene, results from a deletion of one nucleotide at nucleotide position 2273, causing a translational frameshift with a predicted alternate stop codon (p.S758Ifs*14). This variant is considered to be rare based on population cohorts in the Genome Aggregation Database (gnomAD). This alteration is expected to result in loss of function by premature protein truncation or nonsense-mediated mRNA decay. As such, this alteration is interpreted as a disease-causing mutation.

GeneDx
Classification: Pathogenic. Last evaluated: 2016-11-01. Review status: criteria provided, single submitter. Criteria: GeneDx Variant Classification (06012015). Collection method: clinical testing. Allele origin: germline. Affected: yes. Not counted in ClinVar's aggregate classification.
Comment: This deletion of one nucleotide in BRCA2 is denoted c.2273delG at the cDNA level and p.Ser758IlefsX14 (S758IfsX14) at the protein level. Using alternate nomenclature, this variant would be defined as BRCA2 2501delG. The normal sequence, with the base that is deleted in braces, is GAAAA[G]TCTT. The deletion causes a frameshift which changes a Serine to an Isoleucine at codon 758, and creates a premature stop codon at position 14 of the new reading frame. Although this variant has not, to our knowledge, been reported in the literature, it is predicted to cause loss of normal protein function through either protein truncation or nonsense-mediated mRNA decay. We consider this variant to be pathogenic.